The following is an entry in ClinVar:

NM_152393.4(KLHL40):c.1276G>A (p.Glu426Lys)

Gene: KLHL40 (kelch like family member 40; plus strand). Cytogenetic location: 3p22.1.
Variant type: single nucleotide variant.
Coding change: c.1276G>A on transcript NM_152393.4 (MANE Select); coding-DNA position 1276, G replaced by A.
Protein change: p.Glu426Lys; replaces glutamic acid 426 with lysine.
Molecular consequence: missense variant.
Genome position (GRCh38, 1-based): chr3:42,688,265, G>A. VCF-style: chr3-42688265-G-A. GRCh37 (hg19) VCF-style: chr3-42729757-G-A.
Other names: c.1276G>A (NM_152393.2); short protein forms E426K.
Identifiers: ClinVar variation 1417877 (VCV001417877.9), dbSNP rs760403231, ClinGen allele CA2336877.
Genomic context (GRCh38, chr3:42,688,265, plus strand): 5'-GGCCTGGGAGAAGCTCTCAACTCCATCTACGTGGTCGGTGGCAGAGAGATCAAGGACGGC[G>A]AGCGCTGCCTGGACTCGGTCATGTGCTACGACAGGCTGTGAGCATGGCTGGGGTGGGGCT-3'
Protein context (NP_689606.2, residues 416-436): VVGGREIKDG[Glu426Lys]RCLDSVMCYD

ClinVar aggregate classification (germline): Uncertain significance. Review status: criteria provided, multiple submitters, no conflicts (2 of 4 stars). 2 submissions from 2 submitters: Uncertain significance (2). Last evaluated 2025-01-08.

Conditions:
Inborn genetic diseases. Identifiers: MedGen C0950123, MeSH D030342.
Nemaline myopathy 8 (NEM8). Also called: Nemaline myopathy 8, autosomal recessive. Identifiers: Orphanet 171430, MedGen C3809209, MONDO:0014138, OMIM 615348.

Allele frequency attached by ClinVar (database versions not stated): ExAC 0.00001; gnomAD 0.00001; gnomAD exomes 0.00001.
gnomAD v4.1: 5 of 1,613,868 alleles (0.00031%); highest among the groups gnomAD compares: South Asian, 0.0022%; no homozygotes.

Submissions (2):

Ambry Genetics
Classification: Uncertain significance for Inborn genetic diseases. Last evaluated: 2025-01-08. Review status: criteria provided, single submitter. Criteria: Ambry Variant Classification Scheme 2023. Collection method: clinical testing. Allele origin: germline.

Labcorp Genetics (formerly Invitae), Labcorp
Classification: Uncertain significance for Nemaline myopathy 8. Last evaluated: 2022-03-02. Review status: criteria provided, single submitter. Criteria: Invitae Variant Classification Sherloc (09022015). Collection method: clinical testing. Allele origin: germline.
Comment: This sequence change replaces glutamic acid, which is acidic and polar, with lysine, which is basic and polar, at codon 426 of the KLHL40 protein (p.Glu426Lys). This variant is present in population databases (rs760403231, gnomAD 0.003%). This variant has not been reported in the literature in individuals affected with KLHL40-related conditions. Algorithms developed to predict the effect of missense changes on protein structure and function are either unavailable or do not agree on the potential impact of this missense change (SIFT: "Deleterious"; PolyPhen-2: "Benign"; Align-GVGD: "Class C0"). In summary, the available evidence is currently insufficient to determine the role of this variant in disease. Therefore, it has been classified as a Variant of Uncertain Significance.